The following is an entry in ClinVar:

ClinVar aggregate classification (germline): Uncertain significance. Review status: criteria provided, multiple submitters, no conflicts (2 of 4 stars). 3 submissions from 3 submitters: Uncertain significance (3). Last evaluated 2025-01-26.

Conditions:
Hereditary cancer-predisposing syndrome. Also called: Tumor predisposition; Hereditary Cancer Syndrome; Neoplastic Syndromes, Hereditary; Hereditary neoplastic syndrome. Identifiers: Orphanet 140162, MedGen C0027672, MeSH D009386, MONDO:0015356.
Hereditary breast ovarian cancer syndrome. Also called: Breast and ovarian cancer; BRCA1- and BRCA2-Associated Hereditary Breast and Ovarian Cancer; Hereditary breast and ovarian cancer syndrome; Hereditary breast and ovarian cancer; Hereditary breast and ovarian cancer syndrome (HBOC); Hereditary breast and/or ovarian cancer syndrome. Identifiers: Orphanet 145, MedGen C0677776, MeSH D061325, MONDO:0003582. Disease mechanism: loss of function.

Submissions (3):

Labcorp Genetics (formerly Invitae), Labcorp
Classification: Uncertain significance for Hereditary breast ovarian cancer syndrome. Last evaluated: 2025-01-26. Review status: criteria provided, single submitter. Criteria: Invitae Variant Classification Sherloc (09022015). Collection method: clinical testing. Allele origin: germline.
Comment: This sequence change replaces methionine, which is neutral and non-polar, with arginine, which is basic and polar, at codon 192 of the BRCA2 protein (p.Met192Arg). RNA analysis indicates that this missense change induces altered splicing and may result in an absent or altered protein product. This variant is not present in population databases (gnomAD no frequency). This variant has not been reported in the literature in individuals affected with BRCA2-related conditions. ClinVar contains an entry for this variant (Variation ID: 2058144). Invitae Evidence Modeling of protein sequence and biophysical properties (such as structural, functional, and spatial information, amino acid conservation, physicochemical variation, residue mobility, and thermodynamic stability) indicates that this missense variant is not expected to disrupt BRCA2 protein function with a negative predictive value of 95%. Studies have shown that this missense change results in skipping of exon 7, and produces a non-functional protein and/or introduces a premature termination codon (internal data). In summary, the available evidence is currently insufficient to determine the role of this variant in disease. Therefore, it has been classified as a Variant of Uncertain Significance.

GeneDx
Classification: Uncertain significance. Last evaluated: 2024-05-08. Review status: criteria provided, single submitter. Criteria: GeneDx Variant Classification Process June 2021. Collection method: clinical testing. Allele origin: germline. Affected: yes.
Comment: Not observed at significant frequency in large population cohorts (gnomAD); In silico analysis indicates that this missense variant does not alter protein structure/function; Has not been previously published as pathogenic or benign to our knowledge; Also known as 803T>G

Ambry Genetics
Classification: Uncertain significance for Hereditary cancer-predisposing syndrome. Last evaluated: 2024-04-05. Review status: criteria provided, single submitter. Criteria: Ambry Variant Classification Scheme 2023. Collection method: clinical testing. Allele origin: germline.
Comment: The p.M192R variant (also known as c.575T>G), located in coding exon 6 of the BRCA2 gene, results from a T to G substitution at nucleotide position 575. The methionine at codon 192 is replaced by arginine, an amino acid with similar properties. This amino acid position is highly conserved in available vertebrate species. In addition, the in silico prediction for this alteration is inconclusive. Based on the available evidence, the clinical significance of this variant remains unclear.

NM_000059.4(BRCA2):c.575T>G (p.Met192Arg)

Gene: BRCA2 (BRCA2 DNA repair associated; plus strand). Cytogenetic location: 13q13.1.
Variant type: single nucleotide variant.
Coding change: c.575T>G on transcript NM_000059.4 (MANE Select); coding-DNA position 575, T replaced by G.
Protein change: p.Met192Arg; replaces methionine 192 with arginine.
Molecular consequence: missense variant.
Genome position (GRCh38, 1-based): chr13:32,326,557, T>G. VCF-style: chr13-32326557-T-G. GRCh37 (hg19) VCF-style: chr13-32900694-T-G.
Other names: c.575T>G, p.Met192Arg (NM_001406719.1, NM_001406720.1, NM_001406721.1); c.206T>G, p.Met69Arg (NM_001406722.1); short protein forms M192R, M69R.
Identifiers: ClinVar variation 2058144 (VCV002058144.6), dbSNP rs80358805, ClinGen allele CA387758010.